The following is an entry in ClinVar:

NM_020207.7(ERCC6L2):c.271A>G (p.Lys91Glu)

Gene: ERCC6L2 (ERCC excision repair 6 like 2; plus strand). Cytogenetic location: 9q22.32.
Variant type: single nucleotide variant.
Coding change: c.271A>G on transcript NM_020207.7 (MANE Select); coding-DNA position 271, A replaced by G.
Protein change: p.Lys91Glu; replaces lysine 91 with glutamic acid.
Molecular consequence: missense variant. On other transcripts: non-coding transcript variant (1).
Genome position (GRCh38, 1-based): chr9:95,881,093, A>G. VCF-style: chr9-95881093-A-G. GRCh37 (hg19) VCF-style: chr9-98643375-A-G.
Other names: c.271A>G, p.Lys91Glu (NM_001010895.4, NM_001375291.1, NM_001375292.1 and 2 more transcripts); short protein forms K91E.
Identifiers: ClinVar variation 3845864 (VCV003845864.1).

ClinVar aggregate classification (germline): Uncertain significance (1 of 4 stars; one submission).

Conditions:
Inborn genetic diseases. Identifiers: MedGen C0950123, MeSH D030342.

gnomAD v4.1: 27 of 1,613,092 alleles (0.0017%); highest among the groups gnomAD compares: Non-Finnish European, 0.0021%; no homozygotes.

Submission:

Ambry Genetics
Classification: Uncertain significance for Inborn genetic diseases. Last evaluated: 2025-01-11. Review status: criteria provided, single submitter. Criteria: Ambry Variant Classification Scheme 2023. Collection method: clinical testing. Allele origin: germline.
Comment: The p.K91E variant (also known as c.271A>G), located in coding exon 2 of the ERCC6L2 gene, results from an A to G substitution at nucleotide position 271. The lysine at codon 91 is replaced by glutamic acid, an amino acid with similar properties. This amino acid position is conserved. In addition, the in silico prediction for this alteration is inconclusive. Based on the available evidence, the clinical significance of this variant remains unclear.